The following is an entry in ClinVar:

NM_033380.3(COL4A5):c.936+1G>A

Gene: COL4A5 (collagen type IV alpha 5 chain; plus strand). Cytogenetic location: Xq22.3.
Variant type: single nucleotide variant.
Coding change: c.936+1G>A on transcript NM_033380.3 (MANE Select); the canonical splice donor site of the intron after coding-DNA position 936, G replaced by A.
Molecular consequence: splice donor variant.
Genome position (GRCh38, 1-based): chrX:108,581,028, G>A. VCF-style: chrX-108581028-G-A. GRCh37 (hg19) VCF-style: chrX-107824258-G-A.
Other names: c.936+1G>A (NM_000495.5).
Identifiers: ClinVar variation 587199 (VCV000587199.12), dbSNP rs1569491107, ClinGen allele CA413927091.

ClinVar aggregate classification (germline): Pathogenic. Review status: criteria provided, multiple submitters, no conflicts (2 of 4 stars). 2 submissions from 2 submitters: Pathogenic (2). Last evaluated 2025-06-16.

Conditions:
X-linked Alport syndrome (ATS1). Also called: COL4A5-Related Nephropathy; NEPHROPATHY AND DEAFNESS, X-LINKED. Identifiers: Orphanet 63, Orphanet 88917, MedGen C4746986, MONDO:0010520, OMIM 301050.

Allele frequency attached by ClinVar (database versions not stated): gnomAD exomes below 0.00001.
gnomAD v4.1: 1 of 1,205,150 alleles (0.000083%); highest among the groups gnomAD compares: South Asian, 0.0018%; no homozygotes.

Submissions (2):

Labcorp Genetics (formerly Invitae), Labcorp
Classification: Pathogenic. Last evaluated: 2025-06-16. Review status: criteria provided, single submitter. Criteria: Invitae Variant Classification Sherloc (09022015). Collection method: clinical testing. Allele origin: germline.
Comment: This sequence change affects a donor splice site in intron 16 of the COL4A5 gene. It is expected to disrupt RNA splicing. Variants that disrupt the donor or acceptor splice site typically lead to a loss of protein function (PMID: 16199547), and loss-of-function variants in COL4A5 are known to be pathogenic (PMID: 9195222, 10752524, 14514738, 24854265, 26809805). This variant is not present in population databases (gnomAD no frequency). Disruption of this splice site has been observed in individuals with Alport syndrome and/or clinical features of Alport syndrome (PMID: 26809805, 37100867, 37225412). ClinVar contains an entry for this variant (Variation ID: 587199). Algorithms developed to predict the effect of sequence changes on RNA splicing suggest that this variant may disrupt the consensus splice site. For these reasons, this variant has been classified as Pathogenic.

Fulgent Genetics
Classification: Pathogenic for X-linked Alport syndrome. Last evaluated: 2024-05-23. Review status: criteria provided, single submitter. Criteria: ACMG Guidelines, 2015. Collection method: clinical testing. Allele origin: germline.

Literature cited by the submitters: PubMed 16199547 (cited by Labcorp Genetics (formerly Invitae), Labcorp); PubMed 9195222 (cited by Labcorp Genetics (formerly Invitae), Labcorp); PubMed 10752524 (cited by Labcorp Genetics (formerly Invitae), Labcorp); PubMed 14514738 (cited by Labcorp Genetics (formerly Invitae), Labcorp); PubMed 24854265 (cited by Labcorp Genetics (formerly Invitae), Labcorp); PubMed 26809805 (cited by Labcorp Genetics (formerly Invitae), Labcorp); PubMed 37100867 (cited by Labcorp Genetics (formerly Invitae), Labcorp); PubMed 37225412 (cited by Labcorp Genetics (formerly Invitae), Labcorp).